The following is an entry in ClinVar:

NM_001282933.2(ZNF341):c.1793T>A (p.Val598Glu)

Gene: ZNF341 (zinc finger protein 341; plus strand). Cytogenetic location: 20q11.22.
Variant type: single nucleotide variant.
Coding change: c.1793T>A on transcript NM_001282933.2 (MANE Select); coding-DNA position 1793, T replaced by A.
Protein change: p.Val598Glu; replaces valine 598 with glutamic acid.
Molecular consequence: missense variant. On other transcripts: non-coding transcript variant (1).
Genome position (GRCh38, 1-based): chr20:33,783,805, T>A. VCF-style: chr20-33783805-T-A. GRCh37 (hg19) VCF-style: chr20-32371611-T-A.
Other names: c.1523T>A, p.Val508Glu (NM_001282935.2); c.1772T>A, p.Val591Glu (NM_032819.5); short protein forms V508E, V591E, V598E.
Identifiers: ClinVar variation 2075868 (VCV002075868.4), dbSNP rs1160586743, ClinGen allele CA408639915.

ClinVar aggregate classification (germline): Uncertain significance (1 of 4 stars; one submission).

Submission:

Labcorp Genetics (formerly Invitae), Labcorp
Classification: Uncertain significance. Last evaluated: 2022-01-05. Review status: criteria provided, single submitter. Criteria: Invitae Variant Classification Sherloc (09022015). Collection method: clinical testing. Allele origin: germline.
Comment: This variant has not been reported in the literature in individuals affected with ZNF341-related conditions. In summary, the available evidence is currently insufficient to determine the role of this variant in disease. Therefore, it has been classified as a Variant of Uncertain Significance. Algorithms developed to predict the effect of missense changes on protein structure and function are either unavailable or do not agree on the potential impact of this missense change (SIFT: "Deleterious"; PolyPhen-2: "Benign"; Align-GVGD: "Class C0"). This variant is not present in population databases (gnomAD no frequency). This sequence change replaces valine, which is neutral and non-polar, with glutamic acid, which is acidic and polar, at codon 591 of the ZNF341 protein (p.Val591Glu).